The following is an entry in ClinVar:

NM_001042492.3(NF1):c.7747A>G (p.Arg2583Gly)

Gene: NF1 (neurofibromin 1; plus strand). Cytogenetic location: 17q11.2.
Variant type: single nucleotide variant.
Coding change: c.7747A>G on transcript NM_001042492.3 (MANE Select); coding-DNA position 7747, A replaced by G.
Protein change: p.Arg2583Gly; replaces arginine 2583 with glycine.
Molecular consequence: missense variant.
Genome position (GRCh38, 1-based): chr17:31,356,968, A>G. VCF-style: chr17-31356968-A-G. GRCh37 (hg19) VCF-style: chr17-29683986-A-G.
Other names: c.7684A>G, p.Arg2562Gly (NM_000267.4); short protein forms R2562G, R2583G.
Identifiers: ClinVar variation 3369955 (VCV003369955.1).

ClinVar aggregate classification (germline): Uncertain significance (1 of 4 stars; one submission).

Submission:

GeneDx
Classification: Uncertain significance. Last evaluated: 2023-12-19. Review status: criteria provided, single submitter. Criteria: GeneDx Variant Classification Process June 2021. Collection method: clinical testing. Allele origin: germline. Affected: yes.
Comment: Not observed at significant frequency in large population cohorts (gnomAD); In silico analysis supports that this missense variant does not alter protein structure/function; Has not been previously published as pathogenic or benign to our knowledge; This variant is associated with the following publications: (PMID: 25486365)